The following is an entry in ClinVar:

ClinVar aggregate classification (germline): Likely pathogenic. Review status: reviewed by expert panel (3 of 4 stars). 2 submissions from 2 submitters: Likely pathogenic (1). 1 of the submissions does not count toward it. Last evaluated 2026-10-05.

Conditions:
Hereditary thrombocytopenia and hematological cancer predisposition syndrome associated with RUNX1. Also called: PLATELET DISORDER, ASPIRIN-LIKE; Familial Platelet Disorder with Propensity to Acute Myelogenous Leukemia; Familial thrombocytopenia with propensity to acute myelogenous leukemia; RUNX1 Familial Platelet Disorder with Associated Myeloid Malignancies. Identifiers: Orphanet 71290, MedGen C1832388, MeSH C563324, MONDO:0100083, OMIM 601399.
Hereditary thrombocytopenia and hematologic cancer predisposition syndrome. Identifiers: Orphanet 71290, MedGen CN281654, MONDO:0011071.

Submissions (2):

ClinGen Myeloid Malignancy Variant Curation Expert Panel
Classification: Likely pathogenic for Hereditary thrombocytopenia and hematologic cancer predisposition syndrome. Last evaluated: 2026-10-05. Review status: reviewed by expert panel. Criteria: ClinGen MyeloMalig ACMG Specifications V3.1. Collection method: curation. Allele origin: germline. Inheritance: Autosomal dominant inheritance.
Comment: NM_001754.5(RUNX1):c.911dup (p.Gly305Trpfs*295) is a frameshift variant which is not predicted to undergo NMD (PVS1_Strong). This variant is downstream of c.98 (PM5_Supporting) and is completely absent from all population databases with at least 20x coverage for RUNX1 (PM2_Supporting). In summary, this variant meets criteria to be classified as likely pathogenic. ACMG/AMP criteria applied, as specified by the ClinGen Myeloid Malignancy Variant Curation Expert Panel for RUNX1: PVS1_Strong, PM5_Supporting, PM2_Supporting.

Labcorp Genetics (formerly Invitae), Labcorp
Classification: Pathogenic for Hereditary thrombocytopenia and hematological cancer predisposition syndrome associated with RUNX1. Last evaluated: 2023-03-31. Review status: criteria provided, single submitter. Criteria: Invitae Variant Classification Sherloc (09022015). Collection method: clinical testing. Allele origin: germline. Not counted in ClinVar's aggregate classification.
Comment: For these reasons, this variant has been classified as Pathogenic. This variant disrupts a region of the RUNX1 protein in which other variant(s) (p.Arg320*) have been determined to be pathogenic (PMID: 18723428, 25840971, 31064749, 32208489). This suggests that this is a clinically significant region of the protein, and that variants that disrupt it are likely to be disease-causing. This variant has not been reported in the literature in individuals affected with RUNX1-related conditions. This variant is not present in population databases (gnomAD no frequency). This sequence change results in a frameshift in the RUNX1 gene (p.Gly305Trpfs*295). While this is not anticipated to result in nonsense mediated decay, it is expected to disrupt the last 176 amino acid(s) of the RUNX1 protein and extend the protein by 118 additional amino acid residues.

Literature cited by the submitters: PubMed 18723428 (cited by Labcorp Genetics (formerly Invitae), Labcorp); PubMed 25840971 (cited by Labcorp Genetics (formerly Invitae), Labcorp); PubMed 31064749 (cited by Labcorp Genetics (formerly Invitae), Labcorp); PubMed 32208489 (cited by Labcorp Genetics (formerly Invitae), Labcorp).

NM_001754.5(RUNX1):c.911dup (p.Gly305fs)

Gene: RUNX1 (RUNX family transcription factor 1; minus strand). Cytogenetic location: 21q22.12.
Variant type: Duplication.
Coding change: c.911dup on transcript NM_001754.5 (MANE Select); coding-DNA position 911, one base duplicated (C; older notation c.911dupC).
Protein change: p.Gly305fs; shifts the reading frame from glycine 305.
Molecular consequence: frameshift variant.
Genome position (GRCh38, 1-based): chr21:34,799,357, G duplicated on the plus strand (C on the coding strand, the reverse complement: RUNX1 is on the minus strand); the first of 2 consecutive G bases (chr21:34,799,357-34,799,358); duplicating either gives the same sequence. VCF-style (leftmost placement, unchanged base first): chr21-34799356-A-AG. GRCh37 (hg19) VCF-style: chr21-36171653-A-AG.
Other names: NM_001754.5(RUNX1):c.911dup; p.Gly305fs; c.830dup, p.Gly278fs (NM_001001890.3); short protein forms G305fs, G278fs.
Identifiers: ClinVar variation 2851140 (VCV002851140.5), dbSNP rs2516861844, ClinGen allele CA2739267611.